The following is an entry in ClinVar:

NM_016204.4(GDF2):c.967G>A (p.Ala323Thr)

Gene: GDF2 (growth differentiation factor 2; plus strand). Cytogenetic location: 10q11.22.
Variant type: single nucleotide variant.
Coding change: c.967G>A on transcript NM_016204.4 (MANE Select); coding-DNA position 967, G replaced by A.
Protein change: p.Ala323Thr; replaces alanine 323 with threonine.
Molecular consequence: missense variant.
Genome position (GRCh38, 1-based): chr10:47,325,461, G>A. VCF-style: chr10-47325461-G-A. GRCh37 (hg19) VCF-style: chr10-48413901-C-T.
Other names: short protein forms A323T.
Identifiers: ClinVar variation 2146057 (VCV002146057.1), dbSNP rs1308028823, ClinGen allele CA376656625.

ClinVar aggregate classification (germline): Uncertain significance (1 of 4 stars; one submission).

Conditions:
Telangiectasia, hereditary hemorrhagic, type 5 (HHT5). Identifiers: Orphanet 774, MedGen C3809710, MONDO:0014217, OMIM 615506.

Allele frequency attached by ClinVar (database versions not stated): gnomAD 0.00001; TOPMed 0.00001.
gnomAD v4.1: 5 of 1,613,694 alleles (0.00031%); highest among the groups gnomAD compares: Admixed American, 0.0017%; no homozygotes.

Submission:

Labcorp Genetics (formerly Invitae), Labcorp
Classification: Uncertain significance for Telangiectasia, hereditary hemorrhagic, type 5. Last evaluated: 2022-08-23. Review status: criteria provided, single submitter. Criteria: Invitae Variant Classification Sherloc (09022015). Collection method: clinical testing. Allele origin: germline.
Comment: This sequence change replaces alanine, which is neutral and non-polar, with threonine, which is neutral and polar, at codon 323 of the GDF2 protein (p.Ala323Thr). This variant is not present in population databases (gnomAD no frequency). This variant has not been reported in the literature in individuals affected with GDF2-related conditions. Algorithms developed to predict the effect of missense changes on protein structure and function output the following: SIFT: "Tolerated"; PolyPhen-2: "Benign"; Align-GVGD: "Class C0". The threonine amino acid residue is found in multiple mammalian species, which suggests that this missense change does not adversely affect protein function. In summary, the available evidence is currently insufficient to determine the role of this variant in disease. Therefore, it has been classified as a Variant of Uncertain Significance.